The following is an entry in ClinVar:

NM_015662.3(IFT172):c.616G>A (p.Ala206Thr)

Gene: IFT172 (intraflagellar transport 172; minus strand). Cytogenetic location: 2p23.3.
Variant type: single nucleotide variant.
Coding change: c.616G>A on transcript NM_015662.3 (MANE Select); coding-DNA position 616, G replaced by A.
Protein change: p.Ala206Thr; replaces alanine 206 with threonine.
Molecular consequence: missense variant.
Genome position (GRCh38, 1-based): chr2:27,481,215, C>T on the plus strand (G>A on the coding strand, the complement: IFT172 is on the minus strand). VCF-style: chr2-27481215-C-T. GRCh37 (hg19) VCF-style: chr2-27704082-C-T.
Other names: c.616G>A, p.Ala206Thr (NM_001410739.1); c.616G>A (NM_015662.2); short protein forms A206T.
Identifiers: ClinVar variation 2190949 (VCV002190949.3), dbSNP rs563142153, ClinGen allele CA1580907.
Genomic context (GRCh38, chr2:27,481,215, plus strand): 5'-CTTCTTTTCCATAGGCTACAATTTTCCGATCACAGCCTGCAGCCACGATGCTATTGGTTG[C>T]CCATGCCAAGGCATAGGGTGGACACGGGTGGTTAACCAACTTCCCCTAAGACAGAAGTAG-3'
Protein context (NP_056477.1, residues 196-216): HPCPPYALAW[Ala206Thr]TNSIVAAGCD

ClinVar aggregate classification (germline): Uncertain significance. Review status: criteria provided, single submitter (1 of 4 stars). 2 submissions from 2 submitters: Uncertain significance (1). 1 of the submissions does not count toward it. Last evaluated 2023-08-04.

Conditions:
Retinitis pigmentosa 71 (RP71). Identifiers: Orphanet 791, MedGen C4225342, MONDO:0014618, OMIM 616394.
Short-rib thoracic dysplasia 10 with or without polydactyly (SRTD10). Identifiers: Orphanet 474, MedGen C3810175, MONDO:0014284, OMIM 615630.
IFT172-related disorder. Also called: IFT172-related condition; IFT172-related disorders.

Allele frequency attached by ClinVar (database versions not stated): gnomAD exomes 0.00001; TOPMed 0.00001; gnomAD 0.00002; ExAC 0.00003; 1000 Genomes Project 0.00020; 1000 Genomes Project 30x 0.00031.

Submissions (2):

Labcorp Genetics (formerly Invitae), Labcorp
Classification: Uncertain significance for Retinitis pigmentosa 71; Short-rib thoracic dysplasia 10 with or without polydactyly. Last evaluated: 2023-08-04. Review status: criteria provided, single submitter. Criteria: Invitae Variant Classification Sherloc (09022015). Collection method: clinical testing. Allele origin: germline.
Comment: In summary, the available evidence is currently insufficient to determine the role of this variant in disease. Therefore, it has been classified as a Variant of Uncertain Significance. Advanced modeling of protein sequence and biophysical properties (such as structural, functional, and spatial information, amino acid conservation, physicochemical variation, residue mobility, and thermodynamic stability) performed at Invitae indicates that this missense variant is not expected to disrupt IFT172 protein function. This sequence change replaces alanine, which is neutral and non-polar, with threonine, which is neutral and polar, at codon 206 of the IFT172 protein (p.Ala206Thr). This variant is present in population databases (rs563142153, gnomAD 0.007%). This variant has not been reported in the literature in individuals affected with IFT172-related conditions. ClinVar contains an entry for this variant (Variation ID: 2190949).

PreventionGenetics, part of Exact Sciences
Classification: Uncertain significance for IFT172-related condition. Last evaluated: 2024-03-22. Review status: no assertion criteria provided. Collection method: clinical testing. Allele origin: germline. Not counted in ClinVar's aggregate classification.
Comment: The IFT172 c.616G>A variant is predicted to result in the amino acid substitution p.Ala206Thr. To our knowledge, this variant has not been reported in the literature. This variant is reported in 0.0065% of alleles in individuals of South Asian descent in gnomAD. At this time, the clinical significance of this variant is uncertain due to the absence of conclusive functional and genetic evidence.